The following is an entry in ClinVar:

ClinVar aggregate classification (germline): Uncertain significance (1 of 4 stars; one submission).

Submission:

GeneDx
Classification: Uncertain significance. Last evaluated: 2024-11-25. Review status: criteria provided, single submitter. Criteria: GeneDx Variant Classification Process June 2021. Collection method: clinical testing. Allele origin: germline. Affected: yes.
Comment: Not observed at significant frequency in large population cohorts (gnomAD); In silico analysis indicates that this missense variant does not alter protein structure/function; Has not been previously published as pathogenic or benign to our knowledge

NM_003072.5(SMARCA4):c.4714G>T (p.Gly1572Cys)

Gene: SMARCA4 (SWI/SNF related BAF chromatin remodeling complex subunit ATPase 4; plus strand). Cytogenetic location: 19p13.2.
Variant type: single nucleotide variant.
Coding change: c.4714G>T on transcript NM_003072.5 (MANE Select); coding-DNA position 4714, G replaced by T.
Protein change: p.Gly1572Cys; replaces glycine 1572 with cysteine.
Molecular consequence: missense variant. On other transcripts: non-coding transcript variant (1).
Genome position (GRCh38, 1-based): chr19:11,059,831, G>T. VCF-style: chr19-11059831-G-T. GRCh37 (hg19) VCF-style: chr19-11170507-G-T.
Other names: c.4714G>T, p.Gly1572Cys (NM_001128844.3); c.4624G>T, p.Gly1542Cys (NM_001128845.2); c.4621G>T, p.Gly1541Cys (NM_001128846.2); c.4615G>T, p.Gly1539Cys (NM_001128847.4, NM_001374457.1); c.4612G>T, p.Gly1538Cys (NM_001128848.2); c.4810G>T, p.Gly1604Cys (NM_001128849.3, NM_001387283.1); c.4711G>T, p.Gly1571Cys (NM_001411150.1); short protein forms G1538C, G1539C, G1541C, G1542C, G1571C, G1572C, G1604C.
Identifiers: ClinVar variation 3900773 (VCV003900773.1).